The following is an entry in ClinVar:

ClinVar aggregate classification (germline): Uncertain significance (1 of 4 stars; one submission).

Conditions:
Juvenile polyposis syndrome (JPS). Identifiers: Orphanet 2929, MedGen C0345893, MONDO:0017380, OMIM 174900.

Submission:

Labcorp Genetics (formerly Invitae), Labcorp
Classification: Uncertain significance for Juvenile polyposis syndrome. Last evaluated: 2023-07-12. Review status: criteria provided, single submitter. Criteria: Invitae Variant Classification Sherloc (09022015). Collection method: clinical testing. Allele origin: germline.
Comment: Advanced modeling of protein sequence and biophysical properties (such as structural, functional, and spatial information, amino acid conservation, physicochemical variation, residue mobility, and thermodynamic stability) has been performed at Invitae for this missense variant, however the output from this modeling did not meet the statistical confidence thresholds required to predict the impact of this variant on SMAD4 protein function. This variant has not been reported in the literature in individuals affected with SMAD4-related conditions. This variant is not present in population databases (gnomAD no frequency). This sequence change replaces histidine, which is basic and polar, with asparagine, which is neutral and polar, at codon 287 of the SMAD4 protein (p.His287Asn). In summary, the available evidence is currently insufficient to determine the role of this variant in disease. Therefore, it has been classified as a Variant of Uncertain Significance.

NM_005359.6(SMAD4):c.859C>A (p.His287Asn)

Gene: SMAD4 (SMAD family member 4; plus strand). Cytogenetic location: 18q21.2.
Variant type: single nucleotide variant.
Coding change: c.859C>A on transcript NM_005359.6 (MANE Select); coding-DNA position 859, C replaced by A.
Protein change: p.His287Asn; replaces histidine 287 with asparagine.
Molecular consequence: missense variant. On other transcripts: non-coding transcript variant (2).
Genome position (GRCh38, 1-based): chr18:51,058,411, C>A. VCF-style: chr18-51058411-C-A. GRCh37 (hg19) VCF-style: chr18-48584781-C-A.
Other names: c.859C>A, p.His287Asn (NM_001407041.1, NM_001407042.1, NM_001407043.1); short protein forms H287N.
Identifiers: ClinVar variation 2741728 (VCV002741728.3), dbSNP rs2144429053, ClinGen allele CA402463524.